The following is an entry in ClinVar:

NM_152468.5(TMC8):c.1128-490A>G

Gene: TMC8 (transmembrane channel like 8; plus strand). Cytogenetic location: 17q25.3.
Variant type: single nucleotide variant.
Coding change: c.1128-490A>G on transcript NM_152468.5 (MANE Select); 490 bases into the intron before coding-DNA position 1128, A replaced by G.
Molecular consequence: intron variant.
Genome position (GRCh38, 1-based): chr17:78,136,745, A>G. VCF-style: chr17-78136745-A-G. GRCh37 (hg19) VCF-style: chr17-76132826-A-G.
Identifiers: ClinVar variation 2688350 (VCV002688350.2), dbSNP rs8067323, ClinGen allele CA14412280.

ClinVar aggregate classification (germline): Benign (1 of 4 stars; one submission).

Allele frequency attached by ClinVar (database versions not stated): TOPMed 0.17958; gnomAD 0.18537; gnomAD exomes 0.19693; 1000 Genomes Project 30x 0.21159; 1000 Genomes Project 0.21326.

Submission:

Unidad de Genómica Garrahan, Hospital de Pediatría Garrahan
Classification: Benign. Last evaluated: 2024-01-24. Review status: criteria provided, single submitter. Criteria: ACMG Guidelines, 2015. Collection method: clinical testing. Allele origin: germline. Affected: no. Observed: 19 variant alleles.
Comment: This variant is classified as Benign based on local population frequency. This variant was detected in 20% of patients studied by a panel of primary immunodeficiencies. Number of patients: 19. Only high quality variants are reported.